The following is an entry in ClinVar:

NM_175053.4(KRT74):c.59C>T (p.Ser20Leu)

Gene: KRT74 (keratin 74; minus strand). Cytogenetic location: 12q13.13.
Variant type: single nucleotide variant.
Coding change: c.59C>T on transcript NM_175053.4 (MANE Select); coding-DNA position 59, C replaced by T.
Protein change: p.Ser20Leu; replaces serine 20 with leucine.
Molecular consequence: missense variant.
Genome position (GRCh38, 1-based): chr12:52,573,719, G>A on the plus strand (C>T on the coding strand, the complement: KRT74 is on the minus strand). VCF-style: chr12-52573719-G-A. GRCh37 (hg19) VCF-style: chr12-52967503-G-A.
Other names: short protein forms S20L.
Identifiers: ClinVar variation 4095111 (VCV004095111.2).
Genomic context (GRCh38, chr12:52,573,719, plus strand): 5'-CCTCTGCCAGCTGCACAGTAAGAAGCCAGGCTACCCACAGCCTTCCTTGGCACCACTGCC[G>A]AATGCACACTGAAGTTGCCCTTGTCACCACTGGACTTGATGTTCAGTTGCCGACTCATGG-3'
Protein context (NP_778223.2, residues 10-30): SGDKGNFSVH[Ser20Leu]AVVPRKAVGS

ClinVar aggregate classification (germline): Uncertain significance. Review status: criteria provided, multiple submitters, no conflicts (2 of 4 stars). 2 submissions from 2 submitters: Uncertain significance (2). Last evaluated 2025-08-04.

Submissions (2):

Ambry Genetics
Classification: Uncertain significance. Last evaluated: 2025-08-04. Review status: criteria provided, single submitter. Criteria: Ambry Variant Classification Scheme 2023. Collection method: clinical testing. Allele origin: germline.

Labcorp Genetics (formerly Invitae), Labcorp
Classification: Uncertain significance. Last evaluated: 2025-05-06. Review status: criteria provided, single submitter. Criteria: Invitae Variant Classification Sherloc (09022015). Collection method: clinical testing. Allele origin: germline.
Comment: This sequence change replaces serine, which is neutral and polar, with leucine, which is neutral and non-polar, at codon 20 of the KRT74 protein (p.Ser20Leu). This variant is present in population databases (rs146601715, gnomAD 0.01%). This variant has not been reported in the literature in individuals affected with KRT74-related conditions. An algorithm developed to predict the effect of missense changes on protein structure and function (PolyPhen-2) suggests that this variant is likely to be tolerated. In summary, the available evidence is currently insufficient to determine the role of this variant in disease. Therefore, it has been classified as a Variant of Uncertain Significance.